The following is an entry in ClinVar:

NM_206933.4(USH2A):c.6875G>A (p.Arg2292His)

Gene: USH2A (usherin; minus strand). Cytogenetic location: 1q41.
Variant type: single nucleotide variant.
Coding change: c.6875G>A on transcript NM_206933.4 (MANE Select); coding-DNA position 6875, G replaced by A.
Protein change: p.Arg2292His; replaces arginine 2292 with histidine.
Molecular consequence: missense variant.
Genome position (GRCh38, 1-based): chr1:215,970,707, C>T on the plus strand (G>A on the coding strand, the complement: USH2A is on the minus strand). VCF-style: chr1-215970707-C-T. GRCh37 (hg19) VCF-style: chr1-216144049-C-T.
Other names: p.R2292H:CGT>CAT; short protein forms R2292H.
Identifiers: ClinVar variation 48571 (VCV000048571.20), dbSNP rs41277210, ClinGen allele CA143576.
Genomic context (GRCh38, chr1:215,970,707, plus strand): 5'-TTGGCCGTGCATGCTTGGACTCTGAAGGAATGTAAACTCCAAGGAGCAAATCCGTAAGCA[C>T]GATAGCTGAGTTCTGAGGAATTGTGGATTAATATACCATCTAGATATAATCCATAACTCG-3'
Protein context (NP_996816.3, residues 2282-2302): LIHNSSELSY[Arg2292His]AYGFAPWSLH

ClinVar aggregate classification (germline): Benign. Review status: criteria provided, multiple submitters, no conflicts (2 of 4 stars). 11 submissions from 10 submitters: Benign (9). 2 of the submissions do not count toward it. Last evaluated 2026-02-04.

Conditions:
Retinal dystrophy. Also called: Inherited retinal dystrophy. Identifiers: Orphanet 71862, MedGen C0854723, MeSH D058499, MONDO:0019118, HP:0000556.
Retinitis pigmentosa 39 (RP39). Identifiers: Orphanet 791, MedGen C3151138, MONDO:0013436, OMIM 613809.
Usher syndrome type 2A. Also called: RETINAL DISEASE IN USHER SYNDROME TYPE IIA, MODIFIER OF; USHER SYNDROME, TYPE IIA. Identifiers: Orphanet 231178, Orphanet 886, MedGen C1848634, MONDO:0010169, OMIM 276901.

Allele frequency attached by ClinVar (database versions not stated): 1000 Genomes Project 30x 0.00921; TOPMed 0.01673; 1000 Genomes Project 0.00899; gnomAD exomes 0.02141 and 0.02782; ExAC 0.02242; gnomAD 0.01918 and 0.02015; ESP Exome Variant Server 0.02191.
gnomAD v4.1: 43,363 of 1,613,568 alleles (2.7%); highest among the groups gnomAD compares: Non-Finnish European, 3.1%; 781 homozygotes.

Submissions (11):

Labcorp Genetics (formerly Invitae), Labcorp
Classification: Benign. Last evaluated: 2026-02-04. Review status: criteria provided, single submitter. Criteria: Invitae Variant Classification Sherloc (09022015). Collection method: clinical testing. Allele origin: germline.

Genome-Nilou Lab
Classification: Benign for Retinitis pigmentosa 39. Last evaluated: 2023-11-04. Review status: criteria provided, single submitter. Criteria: ACMG Guidelines, 2015. Collection method: clinical testing. Allele origin: germline. Affected: no.

Genome-Nilou Lab
Classification: Benign for Usher syndrome type 2A. Last evaluated: 2023-11-04. Review status: criteria provided, single submitter. Criteria: ACMG Guidelines, 2015. Collection method: clinical testing. Allele origin: germline. Affected: no.

Dept Of Ophthalmology, Nagoya University
Classification: Benign for Retinal dystrophy. Last evaluated: 2023-10-01. Review status: criteria provided, single submitter. Criteria: Submitter's publication. Collection method: research. Allele origin: germline. Affected: yes.

Mayo Clinic Laboratories, Mayo Clinic
Classification: Benign. Last evaluated: 2020-12-03. Review status: criteria provided, single submitter. Criteria: ACMG Guidelines, 2015. Collection method: clinical testing. Allele origin: germline. Observed: 8 variant alleles.

Athena Diagnostics
Classification: Benign. Last evaluated: 2018-09-20. Review status: criteria provided, single submitter. Criteria: Athena Diagnostics Criteria. Collection method: clinical testing. Allele origin: germline.

GeneDx
Classification: Benign. Last evaluated: 2013-10-17. Review status: criteria provided, single submitter. Criteria: GeneDx Variant Classification (06012015). Collection method: clinical testing. Allele origin: germline. Affected: yes.
Comment: This variant is considered likely benign or benign based on one or more of the following criteria: it is a conservative change, it occurs at a poorly conserved position in the protein, it is predicted to be benign by multiple in silico algorithms, and/or has population frequency not consistent with disease.

Laboratory for Molecular Medicine, Mass General Brigham Personalized Medicine
Classification: Benign. Last evaluated: 2009-06-24. Review status: criteria provided, single submitter. Criteria: LMM Criteria. Collection method: clinical testing. Allele origin: germline. Observed: 72 variant alleles.

Breakthrough Genomics
Classification: Benign. Review status: criteria provided, single submitter. Criteria: ACMG Guidelines, 2015. Collection method: not provided. Allele origin: germline. Inheritance: Autosomal recessive inheritance. Affected: yes.

Natera, Inc.
Classification: Benign for Usher syndrome type 2A. Last evaluated: 2020-09-16. Review status: no assertion criteria provided. Collection method: clinical testing. Allele origin: germline. Not counted in ClinVar's aggregate classification.

NEI Ophthalmic Genomics Laboratory, National Institutes of Health
No classification provided. Review status: no classification provided. Collection method: not provided. Allele origin: not provided. Not counted in ClinVar's aggregate classification.

Literature cited by the submitters: PubMed 20145675 (cited by Athena Diagnostics); PubMed 18273898 (cited by Laboratory for Molecular Medicine, Mass General Brigham Personalized Medicine).